The following is an entry in ClinVar:

ClinVar aggregate classification (germline): Uncertain significance (1 of 4 stars; one submission).

Allele frequency attached by ClinVar (database versions not stated): gnomAD exomes below 0.00001.
gnomAD v4.1: 1 of 1,610,908 alleles (0.000062%); highest among the groups gnomAD compares: South Asian, 0.0011%; no homozygotes.

Submission:

GeneDx
Classification: Uncertain significance. Last evaluated: 2019-07-03. Review status: criteria provided, single submitter. Criteria: GeneDx Variant Classification Process June 2021. Collection method: clinical testing. Allele origin: germline. Affected: yes.
Comment: Has not been previously published as pathogenic or benign to our knowledge; Not observed in large population cohorts (Lek et al., 2016); In silico analysis, which includes protein predictors and evolutionary conservation, supports that this variant does not alter protein structure/function

NM_001854.4(COL11A1):c.1258G>A (p.Gly420Ser)

Gene: COL11A1 (collagen type XI alpha 1 chain; minus strand). Cytogenetic location: 1p21.1.
Variant type: single nucleotide variant.
Coding change: c.1258G>A on transcript NM_001854.4 (MANE Select); coding-DNA position 1258, G replaced by A.
Protein change: p.Gly420Ser; replaces glycine 420 with serine.
Molecular consequence: missense variant. On other transcripts: non-coding transcript variant (1).
Genome position (GRCh38, 1-based): chr1:103,021,757, C>T on the plus strand (G>A on the coding strand, the complement: COL11A1 is on the minus strand). VCF-style: chr1-103021757-C-T. GRCh37 (hg19) VCF-style: chr1-103487313-C-T.
Other names: c.1141G>A, p.Gly381Ser (NM_001190709.2); c.1294G>A, p.Gly432Ser (NM_080629.3); c.910G>A, p.Gly304Ser (NM_080630.4); short protein forms G304S, G381S, G420S, G432S.
Identifiers: ClinVar variation 1306905 (VCV001306905.2), dbSNP rs2101938369, ClinGen allele CA341181680.